The following is an entry in ClinVar:

NM_004655.4(AXIN2):c.2298C>G (p.Val766=)

Gene: AXIN2 (axin 2; minus strand). Cytogenetic location: 17q24.1.
Variant type: single nucleotide variant.
Coding change: c.2298C>G on transcript NM_004655.4 (MANE Select); coding-DNA position 2298, C replaced by G.
Protein change: p.Val766=; no amino-acid change (valine 766 retained).
Molecular consequence: synonymous variant.
Genome position (GRCh38, 1-based): chr17:65,534,019, G>C on the plus strand (C>G on the coding strand, the complement: AXIN2 is on the minus strand). VCF-style: chr17-65534019-G-C. GRCh37 (hg19) VCF-style: chr17-63530137-G-C.
Other names: c.2103C>G, p.Val701= (NM_001363813.1); c.2298C>G (NM_004655.3).
Identifiers: ClinVar variation 1138407 (VCV001138407.11), dbSNP rs2144419575, ClinGen allele CA501475969.

ClinVar aggregate classification (germline): Benign/Likely benign. Review status: criteria provided, multiple submitters, no conflicts (2 of 4 stars). 3 submissions from 3 submitters: Benign (1); Likely benign (2). Last evaluated 2024-07-10.

Conditions:
Hereditary cancer-predisposing syndrome. Also called: Hereditary neoplastic syndrome; Hereditary Cancer Syndrome; Tumor predisposition; Neoplastic Syndromes, Hereditary. Identifiers: Orphanet 140162, MedGen C0027672, MeSH D009386, MONDO:0015356.
Oligodontia-cancer predisposition syndrome. Also called: TOOTH AGENESIS-COLORECTAL CANCER SYNDROME. Identifiers: Orphanet 300576, MedGen C1837750, MONDO:0012075, OMIM 608615. Disease mechanism: loss of function.

Submissions (3):

Myriad Genetics, Inc.
Classification: Benign for Oligodontia-cancer predisposition syndrome. Last evaluated: 2024-07-10. Review status: criteria provided, single submitter. Criteria: Myriad Autosomal Dominant, Autosomal Recessive and X-Linked Classification Criteria (2023). Collection method: clinical testing. Allele origin: unknown.
Comment: This variant is considered benign. This variant is a silent/synonymous amino acid change and it is not expected to impact splicing.

Labcorp Genetics (formerly Invitae), Labcorp
Classification: Likely benign for Oligodontia-cancer predisposition syndrome. Last evaluated: 2024-02-23. Review status: criteria provided, single submitter. Criteria: Invitae Variant Classification Sherloc (09022015). Collection method: clinical testing. Allele origin: germline.

Ambry Genetics
Classification: Likely benign for Hereditary cancer-predisposing syndrome. Last evaluated: 2023-06-11. Review status: criteria provided, single submitter. Criteria: Ambry Variant Classification Scheme 2023. Collection method: clinical testing. Allele origin: germline.